The following is an entry in ClinVar:

ClinVar aggregate classification (germline): Pathogenic/Likely pathogenic. Review status: criteria provided, multiple submitters, no conflicts (2 of 4 stars). 2 submissions from 2 submitters: Pathogenic (1); Likely pathogenic (1). Last evaluated 2024-08-28.

Conditions:
Primary ciliary dyskinesia. Also called: Ciliary dyskinesia. Identifiers: Orphanet 244, MedGen C0008780, MONDO:0016575, HP:0012265.

Submissions (2):

Labcorp Genetics (formerly Invitae), Labcorp
Classification: Likely pathogenic for Primary ciliary dyskinesia. Last evaluated: 2024-08-28. Review status: criteria provided, single submitter. Criteria: Invitae Variant Classification Sherloc (09022015). Collection method: clinical testing. Allele origin: germline.
Comment: This sequence change affects an acceptor splice site in intron 27 of the DNAH11 gene. It is expected to disrupt RNA splicing. Variants that disrupt the donor or acceptor splice site typically lead to a loss of protein function (PMID: 16199547), and loss-of-function variants in DNAH11 are known to be pathogenic (PMID: 18022865, 20513915, 22184204). This variant is not present in population databases (gnomAD no frequency). This variant has not been reported in the literature in individuals affected with DNAH11-related conditions. ClinVar contains an entry for this variant (Variation ID: 289323). Algorithms developed to predict the effect of sequence changes on RNA splicing suggest that this variant may disrupt the consensus splice site. In summary, the currently available evidence indicates that the variant is pathogenic, but additional data are needed to prove that conclusively. Therefore, this variant has been classified as Likely Pathogenic.

Eurofins Ntd Llc (ga)
Classification: Pathogenic. Last evaluated: 2016-07-12. Review status: criteria provided, single submitter. Criteria: EGL Classification Definitions 2015. Collection method: clinical testing. Allele origin: germline. Observed: 1 variant allele, 1 heterozygote.

Literature cited by the submitters: PubMed 16199547 (cited by Labcorp Genetics (formerly Invitae), Labcorp); PubMed 18022865 (cited by Labcorp Genetics (formerly Invitae), Labcorp); PubMed 20513915 (cited by Labcorp Genetics (formerly Invitae), Labcorp); PubMed 22184204 (cited by Labcorp Genetics (formerly Invitae), Labcorp).

NM_001277115.2(DNAH11):c.4818-2A>G

Gene: DNAH11 (dynein axonemal heavy chain 11; plus strand). Cytogenetic location: 7p15.3.
Variant type: single nucleotide variant.
Coding change: c.4818-2A>G on transcript NM_001277115.2 (MANE Select); the canonical splice acceptor site of the intron before coding-DNA position 4818, A replaced by G.
Molecular consequence: splice acceptor variant.
Genome position (GRCh38, 1-based): chr7:21,638,937, A>G. VCF-style: chr7-21638937-A-G. GRCh37 (hg19) VCF-style: chr7-21678555-A-G.
Identifiers: ClinVar variation 289323 (VCV000289323.7), dbSNP rs886044152, ClinGen allele CA10606412.